The following is an entry in ClinVar:

NM_001042492.3(NF1):c.7564A>G (p.Met2522Val)

Gene: NF1 (neurofibromin 1; plus strand). Cytogenetic location: 17q11.2.
Variant type: single nucleotide variant.
Coding change: c.7564A>G on transcript NM_001042492.3 (MANE Select); coding-DNA position 7564, A replaced by G.
Protein change: p.Met2522Val; replaces methionine 2522 with valine.
Molecular consequence: missense variant.
Genome position (GRCh38, 1-based): chr17:31,352,363, A>G. VCF-style: chr17-31352363-A-G. GRCh37 (hg19) VCF-style: chr17-29679381-A-G.
Other names: c.7501A>G, p.Met2501Val (NM_000267.4); short protein forms M2522V, M2501V.
Identifiers: ClinVar variation 827090 (VCV000827090.5), dbSNP rs1597862205, ClinGen allele CA399017708.

ClinVar aggregate classification (germline): Uncertain significance (1 of 4 stars; one submission).

Conditions:
Hereditary cancer-predisposing syndrome. Also called: Neoplastic Syndromes, Hereditary; Tumor predisposition; Hereditary neoplastic syndrome; Hereditary Cancer Syndrome. Identifiers: Orphanet 140162, MedGen C0027672, MeSH D009386, MONDO:0015356.
Cardiovascular phenotype. Identifiers: MedGen CN230736.

Submission:

Ambry Genetics
Classification: Uncertain significance for Cardiovascular phenotype; Hereditary cancer-predisposing syndrome. Last evaluated: 2025-10-28. Review status: criteria provided, single submitter. Criteria: Ambry Variant Classification Scheme 2023. Collection method: clinical testing. Allele origin: germline.
Comment: The p.M2501V variant (also known as c.7501A>G), located in coding exon 50 of the NF1 gene, results from an A to G substitution at nucleotide position 7501. The methionine at codon 2501 is replaced by valine, an amino acid with highly similar properties. This amino acid position is highly conserved in available vertebrate species. In addition, the in silico prediction for this alteration is inconclusive. Based on the available evidence, the clinical significance of this variant remains unclear.